The following is an entry in ClinVar:

NM_194454.3(KRIT1):c.712C>T (p.Leu238Phe)

Gene: KRIT1 (KRIT1 ankyrin repeat containing; minus strand). Cytogenetic location: 7q21.2.
Variant type: single nucleotide variant.
Coding change: c.712C>T on transcript NM_194454.3 (MANE Select); coding-DNA position 712, C replaced by T.
Protein change: p.Leu238Phe; replaces leucine 238 with phenylalanine.
Molecular consequence: missense variant. On other transcripts: intron variant (1).
Genome position (GRCh38, 1-based): chr7:92,235,420, G>A on the plus strand (C>T on the coding strand, the complement: KRIT1 is on the minus strand). VCF-style: chr7-92235420-G-A. GRCh37 (hg19) VCF-style: chr7-91864734-G-A.
Other names: c.712C>T, p.Leu238Phe (NM_001013406.2, NM_001350669.1, NM_001350670.1 and 29 more transcripts); c.15+114C>T (NM_001350671.1); short protein forms L238F.
Identifiers: ClinVar variation 590751 (VCV000590751.3), dbSNP rs1563305220, ClinGen allele CA368159412.
Genomic context (GRCh38, chr7:92,235,420, plus strand): 5'-AAAACGTCTTTTAAATCAGAGCTAAAATTCATTCAACTCTTACCCGATTTGTATACTGAA[G>A]ATCTGATCCAAACAAAGGGTTGTAAATACAGGTATCTGCTTTCTCTAGGGCTAACATTTT-3'
Protein context (NP_919436.1, residues 228-248): CIYNPLFGSD[Leu238Phe]QYTNRVDKVV

ClinVar aggregate classification (germline): Uncertain significance (0 of 4 stars; one submission).

Conditions:
KRIT1-related disorder. Also called: KRIT1-related condition; KRIT1-related disorders.

Submission:

PreventionGenetics, part of Exact Sciences
Classification: Uncertain significance for KRIT1-related condition. Last evaluated: 2024-07-02. Review status: no assertion criteria provided. Collection method: clinical testing. Allele origin: germline.
Comment: The KRIT1 c.712C>T variant is predicted to result in the amino acid substitution p.Leu238Phe. This variant has not been reported in a large population database, indicating that it is rare. On the other hand, nearly all documented pathogenic variants in KRIT1 have been loss-of-function (nonsense, frameshift, splicing, large deletions). Relatively few missense variants in this gene have been reported to be causative, and these are generally not supported by strong evidence. Therefore, although we suspect that the KRIT1 c.712C>T (p.Leu238Phe) variant may be pathogenic, at this time, the clinical significance of this variant is uncertain due to the absence of conclusive functional and genetic evidence.